The following is an entry in ClinVar:

ClinVar aggregate classification (germline): Pathogenic/Likely pathogenic. Review status: criteria provided, multiple submitters, no conflicts (2 of 4 stars). 5 submissions from 5 submitters: Pathogenic (3); Likely pathogenic (1). 1 of the submissions does not count toward it. Last evaluated 2025-09-04.

Conditions:
GPR143-related disorder. Also called: GPR143-related condition.
Inborn genetic diseases. Identifiers: MedGen C0950123, MeSH D030342.

Submissions (5):

PreventionGenetics, part of Exact Sciences
Classification: Pathogenic for GPR143-related condition. Last evaluated: 2025-09-04. Review status: criteria provided, single submitter. Criteria: ACMG Guidelines, 2015. Collection method: clinical testing. Allele origin: germline.
Comment: The GPR143 c.13C>T variant is predicted to result in the amino acid substitution p.Arg5Cys. This variant has been reported in individuals with ocular albinism (d'Addio et al. 2000. PubMed ID: 11115845; Table S1, Stone et al. 2017. PubMed ID: 28559085). An alternate substitution of this amino acid residue (p.Arg5Pro) has also been reported in individuals with ocular albinism (Appendix 1, Preising et al. 2011. PubMed ID: 21541274). The p.Arg5Cys substitution has been shown in a functional study to affect protein function (d'Addio et al. 2000. PubMed ID: 11115845). This variant is absent in a large population database (gnomAD), indicating this variant is rare. This variant is interpreted as pathogenic.

GeneDx
Classification: Likely pathogenic. Last evaluated: 2025-06-30. Review status: criteria provided, single submitter. Criteria: GeneDx Variant Classification Process June 2021. Collection method: clinical testing. Allele origin: germline. Affected: yes.
Comment: Identified in patients with ocular albinism in published literature (PMID: 11214907, 29345414); Published functional studies demonstrate a damaging effect with defective glycosylation, reduced protein expression, and mislocalization to the ER (PMID: 11115845); Not observed at significant frequency in large population cohorts (gnomAD); In silico analysis supports that this missense variant has a deleterious effect on protein structure/function; This variant is associated with the following publications: (PMID: 34251969, 11214907, 29345414, 28559085, 11115845)

Labcorp Genetics (formerly Invitae), Labcorp
Classification: Pathogenic. Last evaluated: 2023-09-25. Review status: criteria provided, single submitter. Criteria: Invitae Variant Classification Sherloc (09022015). Collection method: clinical testing. Allele origin: germline.
Comment: For these reasons, this variant has been classified as Pathogenic. Experimental studies have shown that this missense change affects GPR143 function (PMID: 11115845). Advanced modeling of protein sequence and biophysical properties (such as structural, functional, and spatial information, amino acid conservation, physicochemical variation, residue mobility, and thermodynamic stability) performed at Invitae indicates that this missense variant is expected to disrupt GPR143 protein function. ClinVar contains an entry for this variant (Variation ID: 98614). This missense change has been observed in individuals with clinical features of ocular albinism (PMID: 11214907, 28559085, 29345414; Invitae). This variant is not present in population databases (gnomAD no frequency). This sequence change replaces arginine, which is basic and polar, with cysteine, which is neutral and slightly polar, at codon 5 of the GPR143 protein (p.Arg5Cys).

Ambry Genetics
Classification: Pathogenic for Inborn genetic diseases. Last evaluated: 2022-09-16. Review status: criteria provided, single submitter. Criteria: Ambry Variant Classification Scheme 2023. Collection method: clinical testing. Allele origin: germline.
Comment: The c.13C>T (p.R5C) alteration is located in exon 1 (coding exon 1) of the GPR143 gene. This alteration results from a C to T substitution at nucleotide position 13, causing the arginine (R) at amino acid position 5 to be replaced by a cysteine (C). This variant was not reported in population-based cohorts in the Genome Aggregation Database (gnomAD). This alteration has been observed in multiple individuals with clinical features that are consistent with GPR143-related ocular albinism (Stone, 2017; Lasseaux, 2018; Dumitrescu, 2021; Bassi, 2001). Additionally, another alteration at the same codon, c.14G>C (p.R5P), has been detected in individuals with features consistent with GPR143-related ocular albinism (Preising, 2011; Lasseaux, 2018). This amino acid position is highly conserved in available vertebrate species. Functional assays moderately demonstrate reduced glycosylation and aberrant subcellular localization compared to controls in vitro (Bassi, 2001). This alteration is predicted to be deleterious by in silico analysis. Based on the available evidence, this alteration is classified as pathogenic.

Retina International
No classification provided. Review status: no classification provided. Collection method: not provided. Allele origin: not provided. Not counted in ClinVar's aggregate classification.

Literature cited by the submitters: PubMed 11115845 (cited by Labcorp Genetics (formerly Invitae), Labcorp and Ambry Genetics); PubMed 11214907 (cited by Labcorp Genetics (formerly Invitae), Labcorp and Ambry Genetics); PubMed 28559085 (cited by Labcorp Genetics (formerly Invitae), Labcorp and Ambry Genetics); PubMed 29345414 (cited by Labcorp Genetics (formerly Invitae), Labcorp and Ambry Genetics); PubMed 7647783 (cited by Ambry Genetics); PubMed 21541274 (cited by Ambry Genetics); PubMed 34251969 (cited by Ambry Genetics).

NM_000273.3(GPR143):c.13C>T (p.Arg5Cys)

Gene: GPR143 (G protein-coupled receptor 143; minus strand). Cytogenetic location: Xp22.2.
Variant type: single nucleotide variant.
Coding change: c.13C>T on transcript NM_000273.3 (MANE Select); coding-DNA position 13, C replaced by T.
Protein change: p.Arg5Cys; replaces arginine 5 with cysteine.
Molecular consequence: missense variant.
Genome position (GRCh38, 1-based): chrX:9,765,805, G>A on the plus strand (C>T on the coding strand, the complement: GPR143 is on the minus strand). VCF-style: chrX-9765805-G-A. GRCh37 (hg19) VCF-style: chrX-9733845-G-A.
Other names: short protein forms R5C.
Identifiers: ClinVar variation 98614 (VCV000098614.8), dbSNP rs62635289, ClinGen allele CA226161.
Genomic context (GRCh38, chrX:9,765,805, plus strand): 5'-GGAAGCTCAGCACGAGCTGCGTGGCTGCGTCCCGCGTGGGGCAGCAGAAGGTCCCTAGGC[G>A]CGGGGAGGCCATGGGCTGTGTTCGCGGACGCGGCTCGGGTGTGCCAGGACCCCGCCGGCC-3'
Protein context (NP_000264.2, residues 1-15): MASP[Arg5Cys]LGTFCCPTRD